The following is an entry in ClinVar:

NM_004369.4(COL6A3):c.4613A>C (p.Asp1538Ala)

Gene: COL6A3 (collagen type VI alpha 3 chain; minus strand). Cytogenetic location: 2q37.3.
Variant type: single nucleotide variant.
Coding change: c.4613A>C on transcript NM_004369.4 (MANE Select); coding-DNA position 4613, A replaced by C.
Protein change: p.Asp1538Ala; replaces aspartic acid 1538 with alanine.
Molecular consequence: missense variant.
Genome position (GRCh38, 1-based): chr2:237,368,850, T>G on the plus strand (A>C on the coding strand, the complement: COL6A3 is on the minus strand). VCF-style: chr2-237368850-T-G. GRCh37 (hg19) VCF-style: chr2-238277493-T-G.
Other names: c.2792A>C, p.Asp931Ala (NM_057166.5); c.3995A>C, p.Asp1332Ala (NM_057167.4); short protein forms D1332A, D1538A, D931A.
Identifiers: ClinVar variation 2182578 (VCV002182578.5), dbSNP rs1468328255, ClinGen allele CA351192772.

ClinVar aggregate classification (germline): Uncertain significance. Review status: criteria provided, multiple submitters, no conflicts (2 of 4 stars). 2 submissions from 2 submitters: Uncertain significance (2). Last evaluated 2024-11-20.

Conditions:
Bethlem myopathy 1A. Also called: Bethlem Muscular Dystrophy; MYOPATHY, BENIGN CONGENITAL, WITH CONTRACTURES; Bethlem myopathy 1. Identifiers: Orphanet 610, MedGen CN029274, MONDO:0024530, OMIM 158810.
Inborn genetic diseases. Identifiers: MedGen C0950123, MeSH D030342.

Allele frequency attached by ClinVar (database versions not stated): gnomAD 0.00001; TOPMed 0.00003; gnomAD exomes below 0.00001.
gnomAD v4.1: 2 of 1,614,040 alleles (0.00012%); highest among the groups gnomAD compares: African/African-American, 0.0027%; no homozygotes.

Submissions (2):

Ambry Genetics
Classification: Uncertain significance for Inborn genetic diseases. Last evaluated: 2024-11-20. Review status: criteria provided, single submitter. Criteria: Ambry Variant Classification Scheme 2023. Collection method: clinical testing. Allele origin: germline.

Labcorp Genetics (formerly Invitae), Labcorp
Classification: Uncertain significance for Bethlem myopathy 1A. Last evaluated: 2022-03-01. Review status: criteria provided, single submitter. Criteria: Invitae Variant Classification Sherloc (09022015). Collection method: clinical testing. Allele origin: germline.
Comment: This sequence change replaces aspartic acid, which is acidic and polar, with alanine, which is neutral and non-polar, at codon 1538 of the COL6A3 protein (p.Asp1538Ala). This variant is not present in population databases (gnomAD no frequency). This variant has not been reported in the literature in individuals affected with COL6A3-related conditions. Advanced modeling of protein sequence and biophysical properties (such as structural, functional, and spatial information, amino acid conservation, physicochemical variation, residue mobility, and thermodynamic stability) performed at Invitae indicates that this missense variant is not expected to disrupt COL6A3 protein function. In summary, the available evidence is currently insufficient to determine the role of this variant in disease. Therefore, it has been classified as a Variant of Uncertain Significance.